The following is an entry in ClinVar:

ClinVar aggregate classification (germline): Conflicting classifications of pathogenicity. Review status: criteria provided, conflicting classifications (1 of 4 stars). 2 submissions from 2 submitters: Uncertain significance (1); Likely benign (1). Last evaluated 2025-12-16.

Allele frequency attached by ClinVar (database versions not stated): TOPMed 0.00001.

Submissions (2):

Labcorp Genetics (formerly Invitae), Labcorp
Classification: Likely benign. Last evaluated: 2025-12-16. Review status: criteria provided, single submitter. Criteria: Invitae Variant Classification Sherloc (09022015). Collection method: clinical testing. Allele origin: germline.

GeneDx
Classification: Uncertain significance. Last evaluated: 2021-11-30. Review status: criteria provided, single submitter. Criteria: GeneDx Variant Classification Process June 2021. Collection method: clinical testing. Allele origin: germline. Affected: yes.
Comment: In silico analysis supports that this missense variant has a deleterious effect on protein structure/function; Not observed in large population cohorts (Lek et al., 2016); Has not been previously published as pathogenic or benign to our knowledge

NM_001197104.2(KMT2A):c.1519C>G (p.Pro507Ala)

Gene: KMT2A (lysine methyltransferase 2A; plus strand). Cytogenetic location: 11q23.3.
Variant type: single nucleotide variant.
Coding change: c.1519C>G on transcript NM_001197104.2 (MANE Select); coding-DNA position 1519, C replaced by G.
Protein change: p.Pro507Ala; replaces proline 507 with alanine.
Molecular consequence: missense variant.
Genome position (GRCh38, 1-based): chr11:118,472,678, C>G. VCF-style: chr11-118472678-C-G. GRCh37 (hg19) VCF-style: chr11-118343393-C-G.
Other names: c.1519C>G, p.Pro507Ala (NM_005933.4); short protein forms P507A.
Identifiers: ClinVar variation 727338 (VCV000727338.11), dbSNP rs191014566, ClinGen allele CA382810284.